The following is an entry in ClinVar:

ClinVar aggregate classification (germline): Likely benign. Review status: criteria provided, single submitter (1 of 4 stars). 2 submissions from 2 submitters: Likely benign (1). 1 of the submissions does not count toward it. Last evaluated 2025-11-28.

Conditions:
OPTN-related disorder. Also called: OPTN-related condition; OPTN-related disorders.
Amyotrophic lateral sclerosis type 12 (ALS12). Also called: AMYOTROPHIC LATERAL SCLEROSIS 12 WITH OR WITHOUT FRONTOTEMPORAL DEMENTIA. Identifiers: Orphanet 803, MedGen C3150692, MONDO:0013264, OMIM 613435.
Primary open angle glaucoma (POAG). Also called: OPTN-related open angle glaucoma. Identifiers: MedGen C0339573, MONDO:0100553, OMIM 137760.
Glaucoma 1, open angle, E. Identifiers: MedGen C1842026, MONDO:0007665.

Allele frequency attached by ClinVar (database versions not stated): gnomAD exomes 0.00003 and 0.00012; gnomAD 0.00004 and 0.00006; TOPMed 0.00006; ExAC 0.00008; 1000 Genomes Project 0.00040; 1000 Genomes Project 30x 0.00047.
gnomAD v4.1: 70 of 1,613,782 alleles (0.0043%); highest among the groups gnomAD compares: East Asian, 0.094%; no homozygotes.

Submissions (2):

Labcorp Genetics (formerly Invitae), Labcorp
Classification: Likely benign for Primary open angle glaucoma; Glaucoma 1, open angle, E; Amyotrophic lateral sclerosis type 12. Last evaluated: 2025-11-28. Review status: criteria provided, single submitter. Criteria: Invitae Variant Classification Sherloc (09022015). Collection method: clinical testing. Allele origin: germline.

PreventionGenetics, part of Exact Sciences
Classification: Likely benign for OPTN-related condition. Last evaluated: 2024-01-16. Review status: no assertion criteria provided. Collection method: clinical testing. Allele origin: germline. Not counted in ClinVar's aggregate classification.
Comment: This variant is classified as likely benign based on ACMG/AMP sequence variant interpretation guidelines (Richards et al. 2015 PMID: 25741868, with internal and published modifications).

NM_001008212.2(OPTN):c.597T>C (p.Pro199=)

Gene: OPTN (optineurin; plus strand). Cytogenetic location: 10p13.
Variant type: single nucleotide variant.
Coding change: c.597T>C on transcript NM_001008212.2 (MANE Select); coding-DNA position 597, T replaced by C.
Protein change: p.Pro199=; no amino-acid change (proline 199 retained).
Molecular consequence: synonymous variant.
Genome position (GRCh38, 1-based): chr10:13,116,311, T>C. VCF-style: chr10-13116311-T-C. GRCh37 (hg19) VCF-style: chr10-13158311-T-C.
Other names: c.597T>C, p.Pro199= (NM_001008211.1, NM_001008213.1, NM_021980.4).
Identifiers: ClinVar variation 719734 (VCV000719734.10), dbSNP rs373699827, ClinGen allele CA5410681.